The following is an entry in ClinVar:

NM_022042.4(SLC26A1):c.613G>A (p.Ala205Thr)

Genes: IDUA (alpha-L-iduronidase; plus strand), SLC26A1 (solute carrier family 26 member 1; minus strand). Cytogenetic location: 4p16.3.
Variant type: single nucleotide variant.
Coding change: c.613G>A on transcript NM_022042.4 (MANE Select); coding-DNA position 613, G replaced by A.
Protein change: p.Ala205Thr; replaces alanine 205 with threonine.
Molecular consequence: missense variant. On other transcripts: intron variant (2).
Genome position (GRCh38, 1-based): chr4:990,326, C>T on the plus strand (G>A on the coding strand, the complement: SLC26A1 is on the minus strand). VCF-style: chr4-990326-C-T. GRCh37 (hg19) VCF-style: chr4-984114-C-T.
Other names: c.613G>A, p.Ala205Thr (NM_213613.4); c.576+802G>A (NM_134425.4); c.299+2377C>T (NM_000203.5); short protein forms A205T.
Identifiers: ClinVar variation 935745 (VCV000935745.10), dbSNP rs368056565, ClinGen allele CA2801591.
Genomic context (GRCh38, chr4:990,326, plus strand): 5'-TCAGGATGGTCACGGAGGCCCCCATGGCAAAGCCATCGAGCAGTGGCTGTGAGAGGTAGG[C>T]GGACACGAAGCCCAGCCGGAGGACGCCCATGAGGACCTGTGGACGGAGTGCGGTCAGGCC-3'
Protein context (NP_071325.2, residues 195-215): MGVLRLGFVS[Ala205Thr]YLSQPLLDGF

ClinVar aggregate classification (germline): Uncertain significance. Review status: criteria provided, multiple submitters, no conflicts (2 of 4 stars). 2 submissions from 2 submitters: Uncertain significance (2). Last evaluated 2023-12-29.

Conditions:
Nephrolithiasis susceptibility caused by SLC26A1 (CAON1). Also called: NEPHROLITHIASIS, CALCIUM OXALATE, 1. Identifiers: MedGen C5779632, MONDO:0020722, OMIM 167030.
Hypersulfaturia (HYSULF). Identifiers: MedGen C5830511, MONDO:0957268, OMIM 620372.

Allele frequency attached by ClinVar (database versions not stated): gnomAD 0.00001 and 0.00002; gnomAD exomes 0.00001 and 0.00002; TOPMed 0.00002; ExAC 0.00008; ESP Exome Variant Server 0.00016.
gnomAD v4.1: 17 of 1,604,290 alleles (0.0011%); highest among the groups gnomAD compares: Admixed American, 0.0068%; no homozygotes.

Submissions (2):

Fulgent Genetics
Classification: Uncertain significance for Nephrolithiasis susceptibility caused by SLC26A1; Hypersulfaturia. Last evaluated: 2023-12-29. Review status: criteria provided, single submitter. Criteria: ACMG Guidelines, 2015. Collection method: clinical testing. Allele origin: germline.

Labcorp Genetics (formerly Invitae), Labcorp
Classification: Uncertain significance. Last evaluated: 2019-06-03. Review status: criteria provided, single submitter. Criteria: Invitae Variant Classification Sherloc (09022015). Collection method: clinical testing. Allele origin: germline.
Comment: This sequence change replaces alanine with threonine at codon 205 of the SLC26A1 protein (p.Ala205Thr). The alanine residue is moderately conserved and there is a small physicochemical difference between alanine and threonine. This variant is present in population databases (rs368056565, ExAC 0.06%). In summary, the available evidence is currently insufficient to determine the role of this variant in disease. Therefore, it has been classified as a Variant of Uncertain Significance. Algorithms developed to predict the effect of missense changes on protein structure and function output the following: SIFT: "Tolerated"; PolyPhen-2: "Benign"; Align-GVGD: "Class C0". The threonine amino acid residue is found in multiple mammalian species, suggesting that this missense change does not adversely affect protein function. These predictions have not been confirmed by published functional studies and their clinical significance is uncertain. This variant has not been reported in the literature in individuals with SLC26A1-related conditions.